The following is an entry in ClinVar:

ClinVar aggregate classification (germline): Uncertain significance. Review status: criteria provided, multiple submitters, no conflicts (2 of 4 stars). 2 submissions from 2 submitters: Uncertain significance (2). Last evaluated 2021-05-01.

Conditions:
Inborn genetic diseases. Identifiers: MedGen C0950123, MeSH D030342.

Allele frequency attached by ClinVar (database versions not stated): gnomAD 0.00001; gnomAD exomes 0.00002; TOPMed 0.00002.
gnomAD v4.1: 27 of 1,613,882 alleles (0.0017%); highest among the groups gnomAD compares: Non-Finnish European, 0.0023%; no homozygotes.

Submissions (2):

Ambry Genetics
Classification: Uncertain significance for Inborn genetic diseases. Last evaluated: 2021-05-01. Review status: criteria provided, single submitter. Criteria: Ambry Variant Classification Scheme 2023. Collection method: clinical testing. Allele origin: germline.
Comment: The c.1784C>T (p.P595L) alteration is located in exon 17 (coding exon 17) of the POMT2 gene. This alteration results from a C to T substitution at nucleotide position 1784, causing the proline (P) at amino acid position 595 to be replaced by a leucine (L). The p.P595L alteration is predicted to be deleterious by in silico analysis. Based on insufficient or conflicting evidence, the clinical significance of this alteration remains unclear.

Revvity Omics, Revvity
Classification: Uncertain significance. Last evaluated: 2020-08-28. Review status: criteria provided, single submitter. Criteria: ACMG Guidelines, 2015. Collection method: clinical testing. Allele origin: germline.

Literature cited by the submitters: PubMed 28815891 (cited by Ambry Genetics).

NM_013382.7(POMT2):c.1784C>T (p.Pro595Leu)

Gene: POMT2 (protein O-mannosyltransferase 2; minus strand). Cytogenetic location: 14q24.3.
Variant type: single nucleotide variant.
Coding change: c.1784C>T on transcript NM_013382.7 (MANE Select); coding-DNA position 1784, C replaced by T.
Protein change: p.Pro595Leu; replaces proline 595 with leucine.
Molecular consequence: missense variant.
Genome position (GRCh38, 1-based): chr14:77,280,022, G>A on the plus strand (C>T on the coding strand, the complement: POMT2 is on the minus strand). VCF-style: chr14-77280022-G-A. GRCh37 (hg19) VCF-style: chr14-77746365-G-A.
Other names: short protein forms P595L.
Identifiers: ClinVar variation 2230415 (VCV002230415.5), dbSNP rs1015129250, ClinGen allele CA263818882.
Genomic context (GRCh38, chr14:77,280,022, plus strand): 5'-CAGCCGCTCTCCACGGGCAAGTGCTCCAGGGCCTGAGCCGGGAATGTTTAGGCACTCACC[G>A]GGTTGCCAAGCAGATAGACTCGGAAATCTGTGTCATTGACCCCTGAGAAGCGTAGGCCCT-3'
Protein context (NP_037514.2, residues 585-605): TDFRVYLLGN[Pro595Leu]VVWWLNLLSI